The following is an entry in ClinVar:

ClinVar aggregate classification (germline): Likely benign. Review status: criteria provided, multiple submitters, no conflicts (2 of 4 stars). 2 submissions from 2 submitters: Likely benign (2). Last evaluated 2025-12-29.

Conditions:
Familial hypobetalipoproteinemia 1. Also called: Hypobetalipoproteinemia, normotriglyceridemic; Acanthocytosis with hypobetalipoproteinemia; APOB-Related Familial Hypobetalipoproteinemia. Identifiers: MedGen C4551990, MONDO:0014252, OMIM 615558.
Hypercholesterolemia, autosomal dominant, type B (FHCL2). Also called: Familial hypercholesterolemia 2; Familial Hypercholesterolemia Type B; APOLIPOPROTEIN B-100, FAMILIAL DEFECTIVE; APOLIPOPROTEIN B-100, FAMILIAL LIGAND-DEFECTIVE; HYPERCHOLESTEROLEMIA, FAMILIAL, DUE TO LIGAND-DEFECTIVE APOLIPOPROTEIN B; Hyperlipoproteinemia Type IIb. Identifiers: MedGen C1704417, MONDO:0007751, OMIM 144010.
Familial hypercholesterolemia. Also called: Familial hypercholesterolemias; Familial hypercholesterolaemia. Identifiers: MedGen C0020445, MONDO:0005439.

gnomAD v4.1: 35 of 1,613,890 alleles (0.0022%); highest among the groups gnomAD compares: Non-Finnish European, 0.003%; no homozygotes.

Submissions (2):

Labcorp Genetics (formerly Invitae), Labcorp
Classification: Likely benign for Familial hypobetalipoproteinemia 1; Hypercholesterolemia, autosomal dominant, type B. Last evaluated: 2025-12-29. Review status: criteria provided, single submitter. Criteria: Invitae Variant Classification Sherloc (09022015). Collection method: clinical testing. Allele origin: germline.

GENinCode PLC
Classification: Likely benign for Familial hypercholesterolemia. Last evaluated: 2024-03-27. Review status: criteria provided, single submitter. Criteria: ACMG Guidelines, 2015. Collection method: clinical testing. Allele origin: germline.
Comment: This is a synonymous (silent) variant that is not predicted by SpliceAI to impact splicing. In addition, it occurs at a nucleotide that is not conserved. Therefore this variant has been classified as Likely Benign (BP4, BP7).

NM_000384.3(APOB):c.9894C>T (p.Ile3298=)

Gene: APOB (apolipoprotein B; minus strand). Cytogenetic location: 2p24.1.
Variant type: single nucleotide variant.
Coding change: c.9894C>T on transcript NM_000384.3 (MANE Select); coding-DNA position 9894, C replaced by T.
Protein change: p.Ile3298=; no amino-acid change (isoleucine 3298 retained).
Molecular consequence: synonymous variant.
Genome position (GRCh38, 1-based): chr2:21,006,974, G>A on the plus strand (C>T on the coding strand, the complement: APOB is on the minus strand). VCF-style: chr2-21006974-G-A. GRCh37 (hg19) VCF-style: chr2-21229846-G-A.
Identifiers: ClinVar variation 3393004 (VCV003393004.2).